The following is an entry in ClinVar:

NM_000051.4(ATM):c.6808-12T>C

Genes: ATM (ATM serine/threonine kinase; plus strand), C11orf65 (chromosome 11 open reading frame 65; minus strand). Cytogenetic location: 11q22.3.
Variant type: single nucleotide variant.
Coding change: c.6808-12T>C on transcript NM_000051.4 (MANE Select); 12 bases into the intron before coding-DNA position 6808, T replaced by C.
Molecular consequence: intron variant.
Genome position (GRCh38, 1-based): chr11:108,326,046, T>C. VCF-style: chr11-108326046-T-C. GRCh37 (hg19) VCF-style: chr11-108196773-T-C.
Other names: c.6808-12T>C (NM_001351834.2); c.641-16975A>G (NM_001330368.2); c.*38+9174A>G (NM_001351110.2).
Identifiers: ClinVar variation 3254171 (VCV003254171.1), dbSNP rs2547214657.

ClinVar aggregate classification (germline): Likely benign (1 of 4 stars; one submission).

Conditions:
Familial cancer of breast. Also called: hereditary breast carcinoma; BREAST CANCER, FAMILIAL; Hereditary breast cancer. Identifiers: Orphanet 227535, MedGen C0346153, MONDO:0016419, OMIM 114480. Disease mechanism: loss of function.

Submission:

Myriad Genetics, Inc.
Classification: Likely benign for Familial cancer of breast. Last evaluated: 2024-06-12. Review status: criteria provided, single submitter. Criteria: Myriad Autosomal Dominant, Autosomal Recessive and X-Linked Classification Criteria (2023). Collection method: clinical testing. Allele origin: unknown.
Comment: This variant is considered likely benign. This variant is intronic and is not expected to impact mRNA splicing.